The following is an entry in ClinVar:

ClinVar aggregate classification (germline): Likely pathogenic (1 of 4 stars; one submission).

Conditions:
Hemolytic uremic syndrome, atypical, susceptibility to, 1. Also called: AHUS, SUSCEPTIBILITY TO, 1. Identifiers: Orphanet 2134, Orphanet 90038, MedGen C2749604, MONDO:0009335, OMIM 235400. Disease mechanism: Other.

Submission:

Neuberg Centre For Genomic Medicine, NCGM
Classification: Likely pathogenic for Hemolytic uremic syndrome, atypical, susceptibility to, 1. Review status: criteria provided, single submitter. Criteria: ACMG Guidelines, 2015. Collection method: clinical testing. Allele origin: germline. Inheritance: Autosomal dominant inheritance. Affected: yes.
Comment: The observed frameshift c.3472dup(p.Ser1158PhefsTer21) variant in CFH gene has not been reported previously as a pathogenic variant nor a benign variant, to our knowledge. The p.Ser1158PhefsTer21 variant is absent in gnomAD Exomes. This variant has not been submitted to the ClinVar database. This variant causes a frameshift starting with codon Serine 1158, changes this amino acid to Phenylalanine residue, and creates a premature Stop codon at position 21 of the new reading frame, denoted p.Ser1158PhefsTer21. This variant is predicted to cause loss of normal protein function through protein truncation. Loss of function variants have been previously reported to be disease causing. For these reasons, this variant has been classified as Likely Pathogenic.

NM_000186.4(CFH):c.3472dup (p.Ser1158fs)

Gene: CFH (complement factor H; plus strand). Cytogenetic location: 1q31.3.
Variant type: Duplication.
Coding change: c.3472dup on transcript NM_000186.4 (MANE Select); coding-DNA position 3472, one base duplicated (T; older notation c.3472dupT).
Protein change: p.Ser1158fs; shifts the reading frame from serine 1158.
Molecular consequence: frameshift variant.
Genome position (GRCh38, 1-based): chr1:196,745,978, T duplicated. VCF-style (leftmost placement, unchanged base first): chr1-196745977-G-GT. GRCh37 (hg19) VCF-style: chr1-196715107-G-GT.
Other names: short protein forms S1158fs.
Identifiers: ClinVar variation 3241995 (VCV003241995.1), dbSNP rs2529557310.